The following is an entry in ClinVar:

ClinVar aggregate classification (germline): Pathogenic. Review status: criteria provided, multiple submitters, no conflicts (2 of 4 stars). 4 submissions from 4 submitters: Pathogenic (4). Last evaluated 2025-09-22.

Conditions:
Inborn genetic diseases. Identifiers: MedGen C0950123, MeSH D030342.
Rubinstein-Taybi syndrome due to EP300 haploinsufficiency. Also called: EP300-Related Rubinstein-Taybi Syndrome; RUBINSTEIN-TAYBI SYNDROME 2. Identifiers: Orphanet 353284, Orphanet 783, MedGen C3150941, MONDO:0013364, OMIM 613684.

Submissions (4):

Ambry Genetics
Classification: Pathogenic for Inborn genetic diseases. Last evaluated: 2025-09-22. Review status: criteria provided, single submitter. Criteria: Ambry Variant Classification Scheme 2023. Collection method: clinical testing. Allele origin: germline.
Comment: The c.3163C>T (p.R1055*) alteration, located in exon 17 (coding exon 17) of the EP300 gene, consists of a C to T substitution at nucleotide position 3163. This changes the amino acid from an arginine (R) to a stop codon at amino acid position 1055. This alteration is expected to result in loss of function by premature protein truncation or nonsense-mediated mRNA decay. for EP300-related Rubinstein-Taybi syndrome; however, it is unlikely to be causative of EP300-related Menke-Hennekam syndrome. This variant was not reported in population-based cohorts in the Genome Aggregation Database (gnomAD). This variant was reported in individual(s) with features consistent with EP300-related Rubinstein-Taybi syndrome; in at least one individual, it was determined to be de novo (L&oacute;pez, 2018; Cohen, 2020; Slavotinek, 2023). Based on the available evidence, this alteration is classified as pathogenic.

GeneDx
Classification: Pathogenic. Last evaluated: 2025-08-13. Review status: criteria provided, single submitter. Criteria: GeneDx Variant Classification Process June 2021. Collection method: clinical testing. Allele origin: germline. Affected: yes.
Comment: Not observed at significant frequency in large population cohorts (gnomAD); Nonsense variant predicted to result in protein truncation or nonsense mediated decay in a gene for which loss of function is a known mechanism of disease; This variant is associated with the following publications: (PMID: 29743117, 33057194, 37236975, 35982159, 33043588, 34845315, 29506490)

Genomic Medicine Lab, University of California San Francisco
Classification: Pathogenic for Rubinstein-Taybi syndrome due to EP300 haploinsufficiency. Last evaluated: 2018-05-24. Review status: criteria provided, single submitter. Criteria: ACMG Guidelines, 2015. Collection method: clinical testing. Allele origin: de novo. Inheritance: Autosomal dominant inheritance. Affected: yes. Study: CSER.

Fundacion Rioja Salud, Center for Biomedical Research (CIBIR)
Classification: Pathogenic for Rubinstein-Taybi syndrome due to EP300 haploinsufficiency. Last evaluated: 2016-07-01. Review status: criteria provided, single submitter. Criteria: ACMG Guidelines, 2015. Collection method: research. Allele origin: unknown. Affected: yes. Observed: 1 variant allele.

Literature cited by the submitters: PubMed 29506490 (cited by Ambry Genetics); PubMed 33043588 (cited by Ambry Genetics); PubMed 37872195 (cited by Ambry Genetics).

NM_001429.4(EP300):c.3163C>T (p.Arg1055Ter)

Gene: EP300 (EP300 lysine acetyltransferase; plus strand). Cytogenetic location: 22q13.2.
Variant type: single nucleotide variant.
Coding change: c.3163C>T on transcript NM_001429.4 (MANE Select); coding-DNA position 3163, C replaced by T.
Protein change: p.Arg1055Ter; replaces arginine 1055 with a stop codon.
Molecular consequence: nonsense.
Genome position (GRCh38, 1-based): chr22:41,155,015, C>T. VCF-style: chr22-41155015-C-T. GRCh37 (hg19) VCF-style: chr22-41551019-C-T.
Other names: c.3085C>T, p.Arg1029Ter (NM_001362843.2); short protein forms R1055*, R1029*.
Identifiers: ClinVar variation 253312 (VCV000253312.7), dbSNP rs886041830, ClinGen allele CA10602464.